The following is an entry in ClinVar:

NM_002439.5(MSH3):c.509A>T (p.Asp170Val)

Gene: MSH3 (mutS homolog 3; plus strand). Cytogenetic location: 5q14.1.
Variant type: single nucleotide variant.
Coding change: c.509A>T on transcript NM_002439.5 (MANE Select); coding-DNA position 509, A replaced by T.
Protein change: p.Asp170Val; replaces aspartic acid 170 with valine.
Molecular consequence: missense variant.
Genome position (GRCh38, 1-based): chr5:80,665,293, A>T. VCF-style: chr5-80665293-A-T. GRCh37 (hg19) VCF-style: chr5-79961112-A-T.
Other names: short protein forms D170V.
Identifiers: ClinVar variation 2565650 (VCV002565650.2), dbSNP rs2546717524, ClinGen allele CA360264021.

ClinVar aggregate classification (germline): Uncertain significance (1 of 4 stars; one submission).

Conditions:
Hereditary cancer-predisposing syndrome. Also called: Neoplastic Syndromes, Hereditary; Hereditary Cancer Syndrome; Hereditary neoplastic syndrome; Tumor predisposition. Identifiers: Orphanet 140162, MedGen C0027672, MeSH D009386, MONDO:0015356.

Submission:

Ambry Genetics
Classification: Uncertain significance for Hereditary cancer-predisposing syndrome. Last evaluated: 2023-04-07. Review status: criteria provided, single submitter. Criteria: Ambry Variant Classification Scheme 2023. Collection method: clinical testing. Allele origin: germline.
Comment: The p.D170V variant (also known as c.509A>T), located in coding exon 3 of the MSH3 gene, results from an A to T substitution at nucleotide position 509. The aspartic acid at codon 170 is replaced by valine, an amino acid with highly dissimilar properties. This amino acid position is conserved. In addition, this alteration is predicted to be tolerated by in silico analysis. Since supporting evidence is limited at this time, the clinical significance of this alteration remains unclear.